The following is an entry in ClinVar:

ClinVar aggregate classification (germline): Conflicting classifications of pathogenicity. Review status: criteria provided, conflicting classifications (1 of 4 stars). 3 submissions from 3 submitters: Uncertain significance (2); Benign (1). Last evaluated 2024-02-27.

Conditions:
Inborn genetic diseases. Identifiers: MedGen C0950123, MeSH D030342.

gnomAD v4.1: 29 of 1,614,030 alleles (0.0018%); highest among the groups gnomAD compares: East Asian, 0.058%; no homozygotes.

Submissions (3):

Ambry Genetics
Classification: Uncertain significance for Inborn genetic diseases. Last evaluated: 2024-02-27. Review status: criteria provided, single submitter. Criteria: Ambry Variant Classification Scheme 2023. Collection method: clinical testing. Allele origin: germline.

Labcorp Genetics (formerly Invitae), Labcorp
Classification: Uncertain significance. Last evaluated: 2021-08-19. Review status: criteria provided, single submitter. Criteria: Invitae Variant Classification Sherloc (09022015). Collection method: clinical testing. Allele origin: germline.
Comment: This sequence change replaces isoleucine with valine at codon 581 of the ADAM9 protein (p.Ile581Val). The isoleucine residue is weakly conserved and there is a small physicochemical difference between isoleucine and valine. This variant is present in population databases (rs771958240, ExAC 0.2%). This variant has not been reported in the literature in individuals affected with ADAM9-related conditions. Algorithms developed to predict the effect of missense changes on protein structure and function (SIFT, PolyPhen-2, Align-GVGD) all suggest that this variant is likely to be tolerated. Algorithms developed to predict the effect of sequence changes on RNA splicing suggest that this variant may create or strengthen a splice site. In summary, the available evidence is currently insufficient to determine the role of this variant in disease. Therefore, it has been classified as a Variant of Uncertain Significance.

Blueprint Genetics
Classification: Benign. Last evaluated: 2020-05-29. Review status: criteria provided, single submitter. Criteria: ACMG Guidelines, 2015. Collection method: clinical testing. Allele origin: germline.

NM_003816.3(ADAM9):c.1741A>G (p.Ile581Val)

Gene: ADAM9 (ADAM metallopeptidase domain 9; plus strand). Cytogenetic location: 8p11.22.
Variant type: single nucleotide variant.
Coding change: c.1741A>G on transcript NM_003816.3 (MANE Select); coding-DNA position 1741, A replaced by G.
Protein change: p.Ile581Val; replaces isoleucine 581 with valine.
Molecular consequence: missense variant. On other transcripts: non-coding transcript variant (3).
Genome position (GRCh38, 1-based): chr8:39,077,271, A>G. VCF-style: chr8-39077271-A-G. GRCh37 (hg19) VCF-style: chr8-38934790-A-G.
Other names: c.1741A>G (NM_003816.2); short protein forms I581V.
Identifiers: ClinVar variation 1396981 (VCV001396981.5), dbSNP rs771958240, ClinGen allele CA4721714.